The following is an entry in ClinVar:

ClinVar aggregate classification (germline): Uncertain significance (1 of 4 stars; one submission).

Conditions:
Early-infantile DEE. Also called: Early infantile epileptic encephalopathy; Early infantile epileptic encephalopathy with suppression bursts; Ohtahara syndrome. Identifiers: Orphanet 1934, MedGen C0393706, MONDO:0800491.

Submission:

Labcorp Genetics (formerly Invitae), Labcorp
Classification: Uncertain significance for Early-infantile DEE. Last evaluated: 2025-09-27. Review status: criteria provided, single submitter. Criteria: Invitae Variant Classification Sherloc (09022015). Collection method: clinical testing. Allele origin: germline.
Comment: This sequence change replaces isoleucine, which is neutral and non-polar, with phenylalanine, which is neutral and non-polar, at codon 128 of the KCNQ2 protein (p.Ile128Phe). This variant is not present in population databases (gnomAD no frequency). This variant has not been reported in the literature in individuals affected with KCNQ2-related conditions. Invitae Evidence Modeling of protein sequence and biophysical properties (such as structural, functional, and spatial information, amino acid conservation, physicochemical variation, residue mobility, and thermodynamic stability) indicates that this missense variant is expected to disrupt KCNQ2 protein function with a positive predictive value of 95%. In summary, the available evidence is currently insufficient to determine the role of this variant in disease. Therefore, it has been classified as a Variant of Uncertain Significance.

NM_172107.4(KCNQ2):c.382A>T (p.Ile128Phe)

Gene: KCNQ2 (potassium voltage-gated channel subfamily Q member 2; minus strand). Cytogenetic location: 20q13.33.
Variant type: single nucleotide variant.
Coding change: c.382A>T on transcript NM_172107.4 (MANE Select); coding-DNA position 382, A replaced by T.
Protein change: p.Ile128Phe; replaces isoleucine 128 with phenylalanine.
Molecular consequence: missense variant.
Genome position (GRCh38, 1-based): chr20:63,446,752, T>A on the plus strand (A>T on the coding strand, the complement: KCNQ2 is on the minus strand). VCF-style: chr20-63446752-T-A. GRCh37 (hg19) VCF-style: chr20-62078105-T-A.
Other names: c.382A>T, p.Ile128Phe (NM_001382235.1, NM_001439003.1, NM_001439004.1 and 4 more transcripts); short protein forms I128F.
Identifiers: ClinVar variation 4803159 (VCV004803159.1).